The following is an entry in ClinVar:

ClinVar aggregate classification (germline): Uncertain significance. Review status: criteria provided, multiple submitters, no conflicts (2 of 4 stars). 3 submissions from 3 submitters: Uncertain significance (3). Last evaluated 2024-06-11.

Conditions:
Inborn genetic diseases. Identifiers: MedGen C0950123, MeSH D030342.

Allele frequency attached by ClinVar (database versions not stated): gnomAD 0.00003; TOPMed 0.00006; gnomAD exomes 0.00008; ExAC 0.00012.
gnomAD v4.1: 117 of 1,548,658 alleles (0.0076%); highest among the groups gnomAD compares: Middle Eastern, 0.017%; no homozygotes.

Submissions (3):

Mayo Clinic Laboratories, Mayo Clinic
Classification: Uncertain significance. Last evaluated: 2024-06-11. Review status: criteria provided, single submitter. Criteria: ACMG Guidelines, 2015. Collection method: clinical testing. Allele origin: germline. Observed: 2 variant alleles.
Comment: PM2_moderate

Blueprint Genetics
Classification: Uncertain significance. Last evaluated: 2023-07-03. Review status: criteria provided, single submitter. Criteria: ACMG Guidelines, 2015. Collection method: clinical testing. Allele origin: germline.

Ambry Genetics
Classification: Uncertain significance for Inborn genetic diseases. Last evaluated: 2021-08-13. Review status: criteria provided, single submitter. Criteria: Ambry Variant Classification Scheme 2023. Collection method: clinical testing. Allele origin: germline.

NM_001142864.4(PIEZO1):c.2839C>T (p.Arg947Trp)

Genes: HSALR1 (HSP90AB1 associated lncRNA 1; plus strand), PIEZO1 (piezo type mechanosensitive ion channel component 1 (Er blood group); minus strand). Cytogenetic location: 16q24.3.
Variant type: single nucleotide variant.
Coding change: c.2839C>T on transcript NM_001142864.4 (MANE Select); coding-DNA position 2839, C replaced by T.
Protein change: p.Arg947Trp; replaces arginine 947 with tryptophan.
Molecular consequence: missense variant.
Genome position (GRCh38, 1-based): chr16:88,732,487, G>A on the plus strand (C>T on the coding strand, the complement: PIEZO1 is on the minus strand). VCF-style: chr16-88732487-G-A. GRCh37 (hg19) VCF-style: chr16-88798895-G-A.
Other names: p.Arg947Trp; c.1381C>T, p.Arg461Trp (NM_014745.1); short protein forms R947W, R461W.
Identifiers: ClinVar variation 2383808 (VCV002383808.4), dbSNP rs760690839, ClinGen allele CA8232690.
Genomic context (GRCh38, chr16:88,732,487, plus strand): 5'-ACACGGCCTGGGCAGGCAGCGGGGCCAGCTGGTGCTGCCGGCGGTAGTGCTCCTGGCGCC[G>A]GTACACGATGGCCTCGAATACCAGCAGCAGCAGCACTTGCAGGTGGTTCTGCGGAGGGCA-3'
Protein context (NP_001136336.2, residues 937-957): LLLVFEAIVY[Arg947Trp]RQEHYRRQHQ